The following is an entry in ClinVar:

NM_024422.6(DSC2):c.2251-5T>G

Gene: DSC2 (desmocollin 2; minus strand). Cytogenetic location: 18q12.1.
Variant type: single nucleotide variant.
Coding change: c.2251-5T>G on transcript NM_024422.6 (MANE Select); 5 bases into the intron before coding-DNA position 2251, T replaced by G.
Molecular consequence: intron variant.
Genome position (GRCh38, 1-based): chr18:31,069,156, A>C on the plus strand (T>G on the coding strand, the complement: DSC2 is on the minus strand). VCF-style: chr18-31069156-A-C. GRCh37 (hg19) VCF-style: chr18-28649122-A-C.
Other names: c.2251-5T>G (NM_004949.5).
Identifiers: ClinVar variation 234986 (VCV000234986.24), dbSNP rs374262463, ClinGen allele CA035915.

ClinVar aggregate classification (germline): Conflicting classifications of pathogenicity. Review status: criteria provided, conflicting classifications (1 of 4 stars). 7 submissions from 7 submitters: Uncertain significance (3); Likely benign (3). 1 of the submissions does not count toward it. Last evaluated 2026-01-12.

Conditions:
Cardiovascular phenotype. Identifiers: MedGen CN230736.
Cardiomyopathy (CMYO). Also called: Cardiomyopathies. Identifiers: Orphanet 167848, MedGen C0878544, MONDO:0004994, HP:0001638. Inheritance: Various modes of inheritance.
Arrhythmogenic right ventricular dysplasia 11. Also called: Arrhythmogenic Right Ventricular Dysplasia/Cardiomyopathy11; ARRHYTHMOGENIC RIGHT VENTRICULAR DYSPLASIA, FAMILIAL, 11; Arrhythmogenic right ventricular dysplasia 11 with mild palmoplantar keratoderma and woolly hair. Identifiers: MedGen C1864850, MONDO:0012506, OMIM 610476.
Familial isolated arrhythmogenic right ventricular dysplasia. Identifiers: Orphanet 217656, MedGen C4274968, MONDO:0016342.
DSC2-related disorder. Also called: DSC2-related condition.

Allele frequency attached by ClinVar (database versions not stated): gnomAD exomes 0.00001 and 0.00002; ExAC 0.00003; gnomAD 0.00007 and 0.00009; TOPMed 0.00009.
gnomAD v4.1: 24 of 1,614,006 alleles (0.0015%); highest among the groups gnomAD compares: African/African-American, 0.029%; no homozygotes.

Submissions (7):

Labcorp Genetics (formerly Invitae), Labcorp
Classification: Likely benign for Arrhythmogenic right ventricular dysplasia 11. Last evaluated: 2026-01-12. Review status: criteria provided, single submitter. Criteria: Invitae Variant Classification Sherloc (09022015). Collection method: clinical testing. Allele origin: germline.

Color Diagnostics, LLC DBA Color Health
Classification: Likely benign for Cardiomyopathy. Last evaluated: 2025-06-10. Review status: criteria provided, single submitter. Criteria: ACMG Guidelines, 2015. Collection method: clinical testing. Allele origin: germline.

All of Us Research Program, National Institutes of Health
Classification: Uncertain significance for Familial isolated arrhythmogenic right ventricular dysplasia. Last evaluated: 2023-11-28. Review status: criteria provided, single submitter. Criteria: ACMG Guidelines, 2015. Collection method: clinical testing. Allele origin: germline. Inheritance: Autosomal dominant inheritance. Observed: 6 variant alleles, 6 heterozygotes.
Comment: This variant causes a T to G nucleotide substitution at the -5 position of intron 14 of the DSC2 gene. Computational splicing tools and conservation analyses are inconclusive regarding the impact of this variant on RNA splicing. To our knowledge, functional studies have not been reported for this variant. This variant has not been reported in individuals affected with cardiovascular disorders in the literature. This variant has been identified in 7/281344 chromosomes in the general population by the Genome Aggregation Database (gnomAD). The available evidence is insufficient to determine the role of this variant in disease conclusively. Therefore, this variant is classified as a Variant of Uncertain Significance.

This study involves interpretation of variants in research participants for the purpose of population health screening. Participant phenotype was not available at the time of variant classification. Additional details can be found in publication PMID: 35346344, PMCID: PMC8962531

Ambry Genetics
Classification: Likely benign for Cardiovascular phenotype. Last evaluated: 2022-11-15. Review status: criteria provided, single submitter. Criteria: Ambry Variant Classification Scheme 2023. Collection method: clinical testing. Allele origin: germline.

GeneDx
Classification: Uncertain significance. Last evaluated: 2019-04-25. Review status: criteria provided, single submitter. Criteria: GeneDx Variant Classification Process June 2021. Collection method: clinical testing. Allele origin: germline. Affected: yes.
Comment: Has not been previously published as pathogenic or benign to our knowledge; In silico analysis, which includes splice predictors and evolutionary conservation, suggests this variant may impact gene splicing. In the absence of RNA/functional studies, the actual effect of this sequence change is unknown.

Stanford Center for Inherited Cardiovascular Disease, Stanford University
Classification: Uncertain significance. Last evaluated: 2014-10-29. Review status: criteria provided, single submitter. Criteria: ACMG Guidelines, 2015. Collection method: provider interpretation. Allele origin: germline.

PreventionGenetics, part of Exact Sciences
Classification: Likely benign for DSC2-related condition. Last evaluated: 2023-10-26. Review status: no assertion criteria provided. Collection method: clinical testing. Allele origin: germline. Not counted in ClinVar's aggregate classification.
Comment: This variant is classified as likely benign based on ACMG/AMP sequence variant interpretation guidelines (Richards et al. 2015 PMID: 25741868, with internal and published modifications).